The following is an entry in ClinVar:

ClinVar aggregate classification (germline): Likely pathogenic (1 of 4 stars; one submission).

Conditions:
Microcephaly-intellectual disability-sensorineural hearing loss-epilepsy-abnormal muscle tone syndrome (NEDHSB). Also called: NEURODEVELOPMENTAL DISORDER WITH HEARING LOSS, SEIZURES, AND BRAIN ABNORMALITIES. Identifiers: Orphanet 457351, MedGen C4225276, MONDO:0014698, OMIM 616577.

Submission:

Labcorp Genetics (formerly Invitae), Labcorp
Classification: Likely pathogenic for Microcephaly-intellectual disability-sensorineural hearing loss-epilepsy-abnormal muscle tone syndrome. Last evaluated: 2022-12-06. Review status: criteria provided, single submitter. Criteria: Invitae Variant Classification Sherloc (09022015). Collection method: clinical testing. Allele origin: germline.
Comment: In summary, the currently available evidence indicates that the variant is pathogenic, but additional data are needed to prove that conclusively. Therefore, this variant has been classified as Likely Pathogenic. Algorithms developed to predict the effect of sequence changes on RNA splicing suggest that this variant may disrupt the consensus splice site. This variant has not been reported in the literature in individuals affected with SPATA5-related conditions. This variant is not present in population databases (gnomAD no frequency). This sequence change affects an acceptor splice site in intron 11 of the SPATA5 gene. It is expected to disrupt RNA splicing. Variants that disrupt the donor or acceptor splice site typically lead to a loss of protein function (PMID: 16199547), and loss-of-function variants in SPATA5 are known to be pathogenic (PMID: 26299366).

Literature cited by the submitters: PubMed 16199547; PubMed 26299366.

NM_145207.3(AFG2A):c.2080-2A>G

Gene: AFG2A (AAA ATPase AFG2A; plus strand). Cytogenetic location: 4q28.1.
Variant type: single nucleotide variant.
Coding change: c.2080-2A>G on transcript NM_145207.3 (MANE Select); the canonical splice acceptor site of the intron before coding-DNA position 2080, A replaced by G.
Molecular consequence: splice acceptor variant.
Genome position (GRCh38, 1-based): chr4:123,056,385, A>G. VCF-style: chr4-123056385-A-G. GRCh37 (hg19) VCF-style: chr4-123977540-A-G.
Other names: c.2077-2A>G (NM_001345856.2).
Identifiers: ClinVar variation 3751196 (VCV003751196.2).